The following is an entry in ClinVar:

NM_001458.5(FLNC):c.6666dup (p.Gly2223fs)

Genes: FLNC (filamin C; plus strand), FLNC-AS1 (FLNC antisense RNA 1; minus strand). Cytogenetic location: 7q32.1.
Variant type: Duplication.
Coding change: c.6666dup on transcript NM_001458.5 (MANE Select); coding-DNA position 6666, one base duplicated (T; older notation c.6666dupT).
Protein change: p.Gly2223fs; shifts the reading frame from glycine 2223.
Molecular consequence: frameshift variant.
Genome position (GRCh38, 1-based): chr7:128,854,155, T duplicated; the last of 3 consecutive T bases (chr7:128,854,153-128,854,155); duplicating any one gives the same sequence. VCF-style (leftmost placement, unchanged base first): chr7-128854152-G-GT. GRCh37 (hg19) VCF-style: chr7-128494206-G-GT.
Other names: c.6567dup, p.Gly2190fs (NM_001127487.2); short protein forms G2190fs, G2223fs.
Identifiers: ClinVar variation 4531267 (VCV004531267.1).
Genomic context (GRCh38, chr7:128,854,152, plus strand): 5'-AAAGCGCGAGGTGCGGGTGGAGGAGTCCACCCAGGTCGGCGGGGACCCCTTCCCTGCTGT[G>GT]TTTGGGGACTTCCTGGGCCGGGAGCGCCTGGGATCCTTCGGCAGCATCACCCGGCAGCAG-3'

ClinVar aggregate classification (germline): Likely pathogenic (1 of 4 stars; one submission).

Conditions:
Myofibrillar myopathy 5. Also called: Filaminopathy (type); FILAMINOPATHY, AUTOSOMAL DOMINANT. Identifiers: Orphanet 171445, MedGen C1836050, MONDO:0012289, OMIM 609524.
Hypertrophic cardiomyopathy 26. Also called: Cardiomyopathy, familial hypertrophic, 26. Identifiers: Orphanet 75249, MedGen C4310749, MONDO:0014883, OMIM 617047.
Distal myopathy with posterior leg and anterior hand involvement. Also called: WILLIAMS DISTAL MYOPATHY. Identifiers: Orphanet 63273, MedGen C3279722, MONDO:0013550, OMIM 614065.

Submission:

Juno Genomics, Hangzhou Juno Genomics, Inc
Classification: Likely pathogenic for Myofibrillar myopathy 5; Hypertrophic cardiomyopathy 26; Distal myopathy with posterior leg and anterior hand involvement. Review status: criteria provided, single submitter. Criteria: ACMG Guidelines, 2015. Collection method: clinical testing. Allele origin: germline. Affected: yes.
Comment: Absent from controls (or at extremely low frequency if recessive) in Genome Aggregation Database, Exome Sequencing Project, 1000 Genomes Project, or Exome Aggregation Consortium.;Null variant in a gene where loss of function (LOF) is a known mechanism of disease.